The following is an entry in ClinVar:

NM_032608.7(MYO18B):c.5039A>G (p.Glu1680Gly)

Gene: MYO18B (myosin XVIIIB; plus strand). Cytogenetic location: 22q12.1.
Variant type: single nucleotide variant.
Coding change: c.5039A>G on transcript NM_032608.7 (MANE Select); coding-DNA position 5039, A replaced by G.
Protein change: p.Glu1680Gly; replaces glutamic acid 1680 with glycine.
Molecular consequence: missense variant.
Genome position (GRCh38, 1-based): chr22:25,903,722, A>G. VCF-style: chr22-25903722-A-G. GRCh37 (hg19) VCF-style: chr22-26299689-A-G.
Other names: c.5042A>G, p.Glu1681Gly (NM_001318245.2); short protein forms E1680G, E1681G.
Identifiers: ClinVar variation 1345450 (VCV001345450.6), dbSNP rs773946217, ClinGen allele CA411013479.

ClinVar aggregate classification (germline): Uncertain significance (1 of 4 stars; one submission).

Submission:

Labcorp Genetics (formerly Invitae), Labcorp
Classification: Uncertain significance. Last evaluated: 2021-04-14. Review status: criteria provided, single submitter. Criteria: Invitae Variant Classification Sherloc (09022015). Collection method: clinical testing. Allele origin: germline.
Comment: In summary, the available evidence is currently insufficient to determine the role of this variant in disease. Therefore, it has been classified as a Variant of Uncertain Significance. Algorithms developed to predict the effect of missense changes on protein structure and function output the following: SIFT: "Not Available"; PolyPhen-2: "Benign"; Align-GVGD: "Not Available". The glycine amino acid residue is found in multiple mammalian species, suggesting that this missense change does not adversely affect protein function. These predictions have not been confirmed by published functional studies and their clinical significance is uncertain. This variant has not been reported in the literature in individuals with MYO18B-related conditions. This variant is not present in population databases (ExAC no frequency). This sequence change replaces glutamic acid with glycine at codon 1680 of the MYO18B protein (p.Glu1680Gly). The glutamic acid residue is weakly conserved and there is a moderate physicochemical difference between glutamic acid and glycine.